The following is an entry in ClinVar:

ClinVar aggregate classification (germline): Uncertain significance. Review status: criteria provided, multiple submitters, no conflicts (2 of 4 stars). 2 submissions from 2 submitters: Uncertain significance (2). Last evaluated 2025-06-16.

Conditions:
Inborn genetic diseases. Identifiers: MedGen C0950123, MeSH D030342.

Allele frequency attached by ClinVar (database versions not stated): gnomAD exomes 0.00010; gnomAD 0.00001; ExAC 0.00004.
gnomAD v4.1: 28 of 1,614,100 alleles (0.0017%); highest among the groups gnomAD compares: Admixed American, 0.047%; no homozygotes.

Submissions (2):

Ambry Genetics
Classification: Uncertain significance for Inborn genetic diseases. Last evaluated: 2025-06-16. Review status: criteria provided, single submitter. Criteria: Ambry Variant Classification Scheme 2023. Collection method: clinical testing. Allele origin: germline.

Labcorp Genetics (formerly Invitae), Labcorp
Classification: Uncertain significance. Last evaluated: 2024-10-16. Review status: criteria provided, single submitter. Criteria: Invitae Variant Classification Sherloc (09022015). Collection method: clinical testing. Allele origin: germline.
Comment: This sequence change replaces threonine, which is neutral and polar, with asparagine, which is neutral and polar, at codon 212 of the ARHGEF18 protein (p.Thr212Asn). This variant is present in population databases (rs758721422, gnomAD 0.08%). This variant has not been reported in the literature in individuals affected with ARHGEF18-related conditions. ClinVar contains an entry for this variant (Variation ID: 1494449). An algorithm developed to predict the effect of missense changes on protein structure and function (PolyPhen-2) suggests that this variant¬†is likely to be tolerated. In summary, the available evidence is currently insufficient to determine the role of this variant in disease. Therefore, it has been classified as a Variant of Uncertain Significance.

NM_001367823.1(ARHGEF18):c.1199C>A (p.Thr400Asn)

Gene: ARHGEF18 (Rho/Rac guanine nucleotide exchange factor 18; plus strand). Cytogenetic location: 19p13.2.
Variant type: single nucleotide variant.
Coding change: c.1199C>A on transcript NM_001367823.1 (MANE Select); coding-DNA position 1199, C replaced by A.
Protein change: p.Thr400Asn; replaces threonine 400 with asparagine.
Molecular consequence: missense variant.
Genome position (GRCh38, 1-based): chr19:7,441,745, C>A. VCF-style: chr19-7441745-C-A. GRCh37 (hg19) VCF-style: chr19-7506631-C-A.
Other names: c.635C>A (NM_001130955.1); c.473C>A, p.Thr158Asn (NM_001130955.2); c.161C>A, p.Thr54Asn (NM_001367824.1, NM_015318.4); short protein forms T400N, T158N, T54N.
Identifiers: ClinVar variation 1494449 (VCV001494449.5), dbSNP rs758721422, ClinGen allele CA9136372.